The following is an entry in ClinVar:

ClinVar aggregate classification (germline): Likely benign. Review status: criteria provided, single submitter (1 of 4 stars). 2 submissions from 2 submitters: Likely benign (1). 1 of the submissions does not count toward it. Last evaluated 2026-05-01.

Conditions:
KCNQ1-related disorder. Also called: KCNQ1-related disorders; KCNQ1-related condition. Identifiers: MedGen CN239322.

Submissions (2):

CeGaT Center for Human Genetics Tuebingen
Classification: Likely benign. Last evaluated: 2026-05-01. Review status: criteria provided, single submitter. Criteria: CeGaT Center For Human Genetics Tuebingen Variant Classification Criteria Version 2. Collection method: clinical testing. Allele origin: germline. Affected: yes. Observed: 1 variant allele.
Comment: KCNQ1OT1: BS1

PreventionGenetics, part of Exact Sciences
Classification: Likely benign for KCNQ1-related condition. Last evaluated: 2022-07-20. Review status: no assertion criteria provided. Collection method: clinical testing. Allele origin: germline. Not counted in ClinVar's aggregate classification.
Comment: This variant is classified as likely benign based on ACMG/AMP sequence variant interpretation guidelines (Richards et al. 2015 PMID: 25741868, with internal and published modifications).

NM_000218.3(KCNQ1):c.1514+20395GAGT[13]

Genes: KCNQ1 (potassium voltage-gated channel subfamily Q member 1; plus strand), KCNQ1OT1 (KCNQ1 opposite strand/antisense transcript 1; minus strand). Cytogenetic location: 11p15.5.
Variant type: Microsatellite.
Coding change: c.1514+20395GAGT[13] on transcript NM_000218.3 (MANE Select); 13 copies in a row of the 4-base unit GAGT starting at c.1514+20395; the reference has eight copies in a row; five copies, 20 bases duplicated.
Molecular consequence: intron variant. On other transcripts: non-coding transcript variant (1).
Genome position (GRCh38, 1-based): chr11:2,682,488-2,682,507, GAGTGAGTGAGTGAGTGAGT duplicated; duplicating any 20 consecutive bases within chr11:2,682,476-2,682,507 gives the same sequence; the position shown is the placement nearest the transcript's 3' end. VCF-style (leftmost placement, unchanged base first): chr11-2682475-C-CGAGTGAGTGAGTGAGTGAGT. GRCh37 (hg19) VCF-style: chr11-2703705-C-CGAGTGAGTGAGTGAGTGAGT.
Other names: c.974+20395GAGT[13] (NM_001406838.1); c.1133+20395GAGT[13] (NM_181798.2); c.1244+20395GAGT[13] (NM_001406837.1); c.1418+20395GAGT[13] (NM_001406836.1).
Identifiers: ClinVar variation 3031390 (VCV003031390.4), dbSNP rs3831584, ClinGen allele CA597443246.